The following is an entry in ClinVar:

NM_018263.6(ASXL2):c.3252G>A (p.Pro1084=)

Gene: ASXL2 (ASXL transcriptional regulator 2; minus strand). Cytogenetic location: 2p23.3.
Variant type: single nucleotide variant.
Coding change: c.3252G>A on transcript NM_018263.6 (MANE Select); coding-DNA position 3252, G replaced by A.
Protein change: p.Pro1084=; no amino-acid change (proline 1084 retained).
Molecular consequence: synonymous variant.
Genome position (GRCh38, 1-based): chr2:25,743,085, C>T on the plus strand (G>A on the coding strand, the complement: ASXL2 is on the minus strand). VCF-style: chr2-25743085-C-T. GRCh37 (hg19) VCF-style: chr2-25965954-C-T.
Other names: c.3078G>A, p.Pro1026= (NM_001369346.1); c.2472G>A, p.Pro824= (NM_001369347.1).
Identifiers: ClinVar variation 4980047 (VCV004980047.1).
Genomic context (GRCh38, chr2:25,743,085, plus strand): 5'-CTGGCTTGTGGAGATGTCTTCCAGCTGGAAACCTGAGTGAGCGAAGTTGAACTGTGAGGG[C>T]GGCACAACTGAGAGAAGATTCTGCCTCCGAACCCTCTGAATGAGAGTCTGAAGGATCTGA-3'
Protein context (NP_060733.4, residues 1074-1094): VRRQNLLSVV[Pro1084=]PSQFNFAHSG

ClinVar aggregate classification (germline): Likely benign (1 of 4 stars; one submission).

Conditions:
ASXL2-related disorder. Also called: ASXL2-related condition.

gnomAD v4.1: 30 of 1,613,852 alleles (0.0019%); highest among the groups gnomAD compares: South Asian, 0.0088%; no homozygotes.

Submission:

PreventionGenetics, part of Exact Sciences
Classification: Likely benign for ASXL2-related condition. Last evaluated: 2026-04-14. Review status: criteria provided, single submitter. Criteria: ACMG Guidelines, 2015. Collection method: clinical testing. Allele origin: germline.
Comment: This variant is classified as likely benign based on ACMG/AMP sequence variant interpretation guidelines (Richards et al. 2015 PMID: 25741868, with internal and published modifications).